The following is an entry in ClinVar:

NM_006979.3(SLC39A7):c.1171G>A (p.Ala391Thr)

Gene: SLC39A7 (solute carrier family 39 member 7; plus strand). Cytogenetic location: 6p21.32.
Variant type: single nucleotide variant.
Coding change: c.1171G>A on transcript NM_006979.3 (MANE Select); coding-DNA position 1171, G replaced by A.
Protein change: p.Ala391Thr; replaces alanine 391 with threonine.
Molecular consequence: missense variant.
Genome position (GRCh38, 1-based): chr6:33,203,574, G>A. VCF-style: chr6-33203574-G-A. GRCh37 (hg19) VCF-style: chr6-33171351-G-A.
Other names: c.1171G>A, p.Ala391Thr (NM_001077516.2); c.796G>A, p.Ala266Thr (NM_001288777.2); short protein forms A391T, A266T.
Identifiers: ClinVar variation 1963318 (VCV001963318.5), dbSNP rs770245709, ClinGen allele CA3752438.

ClinVar aggregate classification (germline): Uncertain significance (1 of 4 stars; one submission).

Allele frequency attached by ClinVar (database versions not stated): TOPMed below 0.00001; gnomAD 0.00001; gnomAD exomes 0.00001; ExAC 0.00002.
gnomAD v4.1: 18 of 1,614,108 alleles (0.0011%); highest among the groups gnomAD compares: Non-Finnish European, 0.0014%; no homozygotes.

Submission:

Labcorp Genetics (formerly Invitae), Labcorp
Classification: Uncertain significance. Last evaluated: 2022-05-31. Review status: criteria provided, single submitter. Criteria: Invitae Variant Classification Sherloc (09022015). Collection method: clinical testing. Allele origin: germline.
Comment: This sequence change replaces alanine, which is neutral and non-polar, with threonine, which is neutral and polar, at codon 391 of the SLC39A7 protein (p.Ala391Thr). This variant is present in population databases (rs770245709, gnomAD 0.01%). This variant has not been reported in the literature in individuals affected with SLC39A7-related conditions. Algorithms developed to predict the effect of missense changes on protein structure and function (SIFT, PolyPhen-2, Align-GVGD) all suggest that this variant is likely to be disruptive. In summary, the available evidence is currently insufficient to determine the role of this variant in disease. Therefore, it has been classified as a Variant of Uncertain Significance.